The following is an entry in ClinVar:

NM_020208.4(SLC6A20):c.1092A>T (p.Leu364=)

Gene: SLC6A20 (solute carrier family 6 member 20; minus strand). Cytogenetic location: 3p21.31.
Variant type: single nucleotide variant.
Coding change: c.1092A>T on transcript NM_020208.4 (MANE Select); coding-DNA position 1092, A replaced by T.
Protein change: p.Leu364=; no amino-acid change (leucine 364 retained).
Molecular consequence: synonymous variant.
Genome position (GRCh38, 1-based): chr3:45,770,215, T>A on the plus strand (A>T on the coding strand, the complement: SLC6A20 is on the minus strand). VCF-style: chr3-45770215-T-A. GRCh37 (hg19) VCF-style: chr3-45811707-T-A.
Other names: c.981A>T, p.Leu327= (NM_022405.4).
Identifiers: ClinVar variation 345403 (VCV000345403.18), dbSNP rs371002443, ClinGen allele CA2351425.
Genomic context (GRCh38, chr3:45,770,215, plus strand): 5'-TTCCCATGAGTGTGTGGAGAGAAGCCAGTCCTTGACCTTGCCTGGGCATCTTACCGTGTC[T>A]AGCTCCGATTCCAAGCTGCAGTTTTTGATTTGCGGGAACATCTCGCTGTATTTGCTTGGG-3'
Protein context (NP_064593.1, residues 354-374): QIKNCSLESE[Leu364=]DTAVQGTGLA

ClinVar aggregate classification (germline): Benign/Likely benign. Review status: criteria provided, multiple submitters, no conflicts (2 of 4 stars). 4 submissions from 4 submitters: Benign (1); Likely benign (2). 1 of the submissions does not count toward it. Last evaluated 2025-05-01.

Conditions:
SLC6A20-related disorder. Also called: SLC6A20-related condition.
Hyperglycinuria. Also called: GLYCINURIA WITH OR WITHOUT OXALATE NEPHROLITHIASIS; GLYCINURIA WITH OR WITHOUT OXALATE UROLITHIASIS; IMINOGLYCINURIA TYPE II. Identifiers: MedGen C0543541, MONDO:0007677, OMIM 138500, HP:0003108.
Iminoglycinuria. Identifiers: Orphanet 42062, MedGen C0268654, MONDO:0009448, OMIM 242600.

Allele frequency attached by ClinVar (database versions not stated): gnomAD 0.00054 and 0.00002; gnomAD exomes 0.00086 and 0.00182; ExAC 0.00217; 1000 Genomes Project 0.00479; 1000 Genomes Project 30x 0.00484; TOPMed 0.00011.
gnomAD v4.1: 1,343 of 1,614,218 alleles (0.083%); highest among the groups gnomAD compares: South Asian, 1.4%; 19 homozygotes.

Submissions (4):

CeGaT Center for Human Genetics Tuebingen
Classification: Benign. Last evaluated: 2025-05-01. Review status: criteria provided, single submitter. Criteria: CeGaT Center For Human Genetics Tuebingen Variant Classification Criteria Version 2. Collection method: clinical testing. Allele origin: germline. Affected: yes. Observed: 1 variant allele.
Comment: SLC6A20: BP4, BP7, BS1, BS2

Fulgent Genetics
Classification: Likely benign for Hyperglycinuria; Iminoglycinuria. Last evaluated: 2021-09-07. Review status: criteria provided, single submitter. Criteria: ACMG Guidelines, 2015. Collection method: clinical testing. Allele origin: unknown.

Illumina Laboratory Services, Illumina
Classification: Likely benign for Hyperglycinuria. Last evaluated: 2018-01-13. Review status: criteria provided, single submitter. Criteria: ICSL Variant Classification Criteria 13 December 2019. Collection method: clinical testing. Allele origin: germline.
Comment: This variant was observed in the ICSL laboratory as part of a predisposition screen in an ostensibly healthy population. It had not been previously curated by ICSL or reported in the Human Gene Mutation Database (HGMD: prior to June 1st, 2018), and was therefore a candidate for classification through an automated scoring system. Utilizing variant allele frequency, disease prevalence and penetrance estimates, and inheritance mode, an automated score was calculated to assess if this variant is too frequent to cause the disease. Based on the score and internal cut-off values, a variant classified as likely benign is not then subjected to further curation. The score for this variant resulted in a classification of likely benign for this disease.

PreventionGenetics, part of Exact Sciences
Classification: Likely benign for SLC6A20-related condition. Last evaluated: 2019-04-04. Review status: no assertion criteria provided. Collection method: clinical testing. Allele origin: germline. Not counted in ClinVar's aggregate classification.
Comment: This variant is classified as likely benign based on ACMG/AMP sequence variant interpretation guidelines (Richards et al. 2015 PMID: 25741868, with internal and published modifications).